The following is an entry in ClinVar:

NM_004168.4(SDHA):c.512G>C (p.Arg171Pro)

Gene: SDHA (succinate dehydrogenase complex flavoprotein subunit A; plus strand). Cytogenetic location: 5p15.33.
Variant type: single nucleotide variant.
Coding change: c.512G>C on transcript NM_004168.4 (MANE Select); coding-DNA position 512, G replaced by C.
Protein change: p.Arg171Pro; replaces arginine 171 with proline.
Molecular consequence: missense variant.
Genome position (GRCh38, 1-based): chr5:225,938, G>C. VCF-style: chr5-225938-G-C. GRCh37 (hg19) VCF-style: chr5-226053-G-C.
Other names: c.368G>C, p.Arg123Pro (NM_001294332.2); c.512G>C, p.Arg171Pro (NM_001330758.2); short protein forms R123P, R171P.
Identifiers: ClinVar variation 1745538 (VCV001745538.8), dbSNP rs587782076, ClinGen allele CA359010122.

ClinVar aggregate classification (germline): Uncertain significance. Review status: criteria provided, multiple submitters, no conflicts (2 of 4 stars). 2 submissions from 2 submitters: Uncertain significance (2). Last evaluated 2026-06-05.

Conditions:
Mitochondrial complex II deficiency, nuclear type 1. Also called: SUCCINATE CoQ REDUCTASE DEFICIENCY. Identifiers: Orphanet 3208, MedGen C5700310, MONDO:0100294, OMIM 252011.
Pheochromocytoma/paraganglioma syndrome 5. Also called: Paragangliomas 5; SDHA-Related Hereditary Paraganglioma-Pheochromocytoma Syndrome. Identifiers: Orphanet 29072, MedGen C3279992, MONDO:0013602, OMIM 614165.
Hereditary cancer-predisposing syndrome. Also called: Hereditary Cancer Syndrome; Hereditary neoplastic syndrome; Neoplastic Syndromes, Hereditary; Tumor predisposition. Identifiers: Orphanet 140162, MedGen C0027672, MeSH D009386, MONDO:0015356.

Submissions (2):

Ambry Genetics
Classification: Uncertain significance for Hereditary cancer-predisposing syndrome. Last evaluated: 2026-06-05. Review status: criteria provided, single submitter. Criteria: Ambry Variant Classification Scheme 2023. Collection method: clinical testing. Allele origin: germline.
Comment: The p.R171P variant (also known as c.512G>C), located in coding exon 5 of the SDHA gene, results from a G to C substitution at nucleotide position 512. The arginine at codon 171 is replaced by proline, an amino acid with dissimilar properties. This amino acid position is conserved. In addition, this alteration is predicted to be deleterious by in silico analysis. Based on the available evidence, the clinical significance of this variant remains unclear.

Labcorp Genetics (formerly Invitae), Labcorp
Classification: Uncertain significance for Pheochromocytoma/paraganglioma syndrome 5; Mitochondrial complex II deficiency, nuclear type 1. Last evaluated: 2022-03-05. Review status: criteria provided, single submitter. Criteria: Invitae Variant Classification Sherloc (09022015). Collection method: clinical testing. Allele origin: germline.
Comment: This variant is not present in population databases (gnomAD no frequency). In summary, the available evidence is currently insufficient to determine the role of this variant in disease. Therefore, it has been classified as a Variant of Uncertain Significance. Advanced modeling of protein sequence and biophysical properties (such as structural, functional, and spatial information, amino acid conservation, physicochemical variation, residue mobility, and thermodynamic stability) performed at Invitae indicates that this missense variant is expected to disrupt SDHA protein function. This variant has not been reported in the literature in individuals affected with SDHA-related conditions. This sequence change replaces arginine, which is basic and polar, with proline, which is neutral and non-polar, at codon 171 of the SDHA protein (p.Arg171Pro).